The following is an entry in ClinVar:

NM_030777.4(SLC2A10):c.1548-19C>T

Gene: SLC2A10 (solute carrier family 2 member 10; plus strand). Cytogenetic location: 20q13.12.
Variant type: single nucleotide variant.
Coding change: c.1548-19C>T on transcript NM_030777.4 (MANE Select); 19 bases into the intron before coding-DNA position 1548, C replaced by T.
Molecular consequence: intron variant.
Genome position (GRCh38, 1-based): chr20:46,733,737, C>T. VCF-style: chr20-46733737-C-T. GRCh37 (hg19) VCF-style: chr20-45362376-C-T.
Identifiers: ClinVar variation 139179 (VCV000139179.20), dbSNP rs144623242, ClinGen allele CA293559.

ClinVar aggregate classification (germline): Benign/Likely benign. Review status: criteria provided, multiple submitters, no conflicts (2 of 4 stars). 5 submissions from 5 submitters: Benign (1); Likely benign (4). Last evaluated 2026-02-02.

Conditions:
Arterial tortuosity syndrome (ATORS). Identifiers: Orphanet 3342, MedGen C1859726, MONDO:0008818, OMIM 208050.

Allele frequency attached by ClinVar (database versions not stated): ESP Exome Variant Server 0.00031; ExAC 0.00040; gnomAD exomes 0.00041 and 0.00064; gnomAD 0.00044 and 0.00046; TOPMed 0.00047; 1000 Genomes Project 30x 0.00062; 1000 Genomes Project 0.00080.

Submissions (5):

Labcorp Genetics (formerly Invitae), Labcorp
Classification: Likely benign for Arterial tortuosity syndrome. Last evaluated: 2026-02-02. Review status: criteria provided, single submitter. Criteria: Invitae Variant Classification Sherloc (09022015). Collection method: clinical testing. Allele origin: germline.

ARUP Laboratories, Molecular Genetics and Genomics, ARUP Laboratories
Classification: Likely benign for Arterial tortuosity syndrome. Last evaluated: 2024-11-19. Review status: criteria provided, single submitter. Criteria: ARUP Molecular Germline Variant Investigation Process 2024. Collection method: clinical testing. Allele origin: germline.

Blueprint Genetics
Classification: Likely benign. Last evaluated: 2024-10-22. Review status: criteria provided, single submitter. Criteria: ACMG Guidelines, 2015. Collection method: clinical testing. Allele origin: germline.

Women's Health and Genetics/Laboratory Corporation of America, LabCorp
Classification: Likely benign. Last evaluated: 2024-05-13. Review status: criteria provided, single submitter. Criteria: LabCorp Variant Classification Summary - May 2015. Collection method: clinical testing. Allele origin: germline.

GeneDx
Classification: Benign. Last evaluated: 2013-10-03. Review status: criteria provided, single submitter. Criteria: GeneDx Variant Classification (06012015). Collection method: clinical testing. Allele origin: germline. Affected: yes.
Comment: This variant is considered likely benign or benign based on one or more of the following criteria: it is a conservative change, it occurs at a poorly conserved position in the protein, it is predicted to be benign by multiple in silico algorithms, and/or has population frequency not consistent with disease.